The following is an entry in ClinVar:

ClinVar aggregate classification (germline): Conflicting classifications of pathogenicity. Review status: criteria provided, conflicting classifications (1 of 4 stars). 5 submissions from 5 submitters: Uncertain significance (4); Likely benign (1). Last evaluated 2026-04-01.

Conditions:
TTN-related disorder. Also called: TTN-related condition; TTN-related disease; TTN-related disorders.

Allele frequency attached by ClinVar (database versions not stated): gnomAD exomes 0.00002; ExAC 0.00003; gnomAD 0.00003; TOPMed 0.00004; ESP Exome Variant Server 0.00016.
gnomAD v4.1: 19 of 1,612,950 alleles (0.0012%); highest among the groups gnomAD compares: Middle Eastern, 0.033%; no homozygotes.

Submissions (5):

CeGaT Center for Human Genetics Tuebingen
Classification: Uncertain significance. Last evaluated: 2026-04-01. Review status: criteria provided, single submitter. Criteria: CeGaT Center For Human Genetics Tuebingen Variant Classification Criteria Version 2. Collection method: clinical testing. Allele origin: germline. Affected: yes. Observed: 1 variant allele.
Comment: TTN: PM2

PreventionGenetics, part of Exact Sciences
Classification: Uncertain significance for TTN-related condition. Last evaluated: 2025-10-15. Review status: criteria provided, single submitter. Criteria: ACMG Guidelines, 2015. Collection method: clinical testing. Allele origin: germline.
Comment: The TTN c.95647G>A variant is predicted to result in the amino acid substitution p.Val31883Met. To our knowledge, this variant has not been reported in the literature. This variant is reported in 0.0036% of alleles in individuals of European (Non-Finnish) descent in gnomAD. At this time, the clinical significance of this variant is uncertain due to the absence of conclusive functional and genetic evidence.

Molecular Diagnostic Laboratory for Inherited Cardiovascular Disease, Montreal Heart Institute
Classification: Likely benign. Last evaluated: 2025-07-24. Review status: criteria provided, single submitter. Criteria: ACMG Guidelines, 2015. Collection method: clinical testing. Allele origin: germline. Affected: no.
Comment: BP1

Revvity Omics, Revvity
Classification: Uncertain significance. Last evaluated: 2025-05-23. Review status: criteria provided, single submitter. Criteria: ACMG Guidelines, 2015. Collection method: clinical testing. Allele origin: germline.

GeneDx
Classification: Uncertain significance. Last evaluated: 2024-01-08. Review status: criteria provided, single submitter. Criteria: GeneDx Variant Classification Process June 2021. Collection method: clinical testing. Allele origin: germline.
Comment: Not observed at significant frequency in large population cohorts (gnomAD); Missense variant in a gene in which most reported pathogenic variants are truncating/loss-of-function; Has not been previously published as pathogenic or benign to our knowledge; Located in the A-band region of TTN in which the majority of loss of function variants have been associated with autosomal dominant titinopathies (PMID: 22335739)

NM_001267550.2(TTN):c.95647G>A (p.Val31883Met)

Genes: TTN (titin; minus strand), TTN-AS1 (TTN antisense RNA 1; plus strand). Cytogenetic location: 2q31.2.
Variant type: single nucleotide variant.
Coding change: c.95647G>A on transcript NM_001267550.2 (MANE Select); coding-DNA position 95647, G replaced by A.
Protein change: p.Val31883Met; replaces valine 31883 with methionine.
Molecular consequence: missense variant.
Genome position (GRCh38, 1-based): chr2:178,545,463, C>T on the plus strand (G>A on the coding strand, the complement: TTN is on the minus strand). VCF-style: chr2-178545463-C-T. GRCh37 (hg19) VCF-style: chr2-179410190-C-T.
Other names: c.90724G>A, p.Val30242Met (NM_001256850.1); c.68452G>A, p.Val22818Met (NM_003319.4); c.87943G>A, p.Val29315Met (NM_133378.4); c.68827G>A, p.Val22943Met (NM_133432.3); c.69028G>A, p.Val23010Met (NM_133437.4); short protein forms V22818M, V22943M, V23010M, V29315M, V30242M, V31883M.
Identifiers: ClinVar variation 1698090 (VCV001698090.8), dbSNP rs72648262, ClinGen allele CA1986910.